The following is an entry in ClinVar:

NM_001276345.2(TNNT2):c.451del (p.Arg151fs)

Gene: TNNT2 (troponin T2, cardiac type; minus strand). Cytogenetic location: 1q32.1.
Variant type: Deletion.
Coding change: c.451del on transcript NM_001276345.2 (MANE Select); coding-DNA position 451, one base deleted (C; older notation c.451delC).
Protein change: p.Arg151fs; shifts the reading frame from arginine 151.
Molecular consequence: frameshift variant.
Genome position (GRCh38, 1-based): chr1:201,364,336, G deleted on the plus strand (C on the coding strand, the reverse complement: TNNT2 is on the minus strand); the first of 2 consecutive G bases (chr1:201,364,336-201,364,337); deleting either gives the same sequence. VCF-style (leftmost placement, unchanged base first): chr1-201364335-CG-C. GRCh37 (hg19) VCF-style: chr1-201333463-CG-C.
Other names: p.Arg141Glyfs*41; c.451del, p.Arg151fs (NM_000364.4); c.421del, p.Arg141fs (NM_001001430.3, NM_001001431.3, NM_001276347.2); c.406del, p.Arg136fs (NM_001001432.3); c.331del, p.Arg111fs (NM_001276346.2); c.421del (NM_001001430.2, NM_001001430.1); c.421delC (NM_001001430.3); short protein forms R151fs, R141fs, R111fs, R136fs.
Identifiers: ClinVar variation 181635 (VCV000181635.77), dbSNP rs730881115, ClinGen allele CA004533.

ClinVar aggregate classification (germline): Uncertain significance. Review status: criteria provided, multiple submitters, no conflicts (2 of 4 stars). 15 submissions from 15 submitters: Uncertain significance (15). Last evaluated 2026-05-23.

Conditions:
TNNT2-related disorder. Also called: TNNT2-related condition.
Cardiovascular phenotype. Identifiers: MedGen CN230736.
Dilated cardiomyopathy 1D. Identifiers: Orphanet 154, Orphanet 54260, MedGen C1832243, MONDO:0011095, OMIM 601494.
Hypertrophic cardiomyopathy 2. Also called: TNNT2-Related Familial Hypertrophic Cardiomyopathy. Identifiers: MedGen C1861864, MONDO:0007266, OMIM 115195.
Cardiomyopathy, familial restrictive, 3. Identifiers: Orphanet 75249, MedGen C2676271, MONDO:0012900, OMIM 612422.
Cardiomyopathy (CMYO). Also called: Cardiomyopathies. Identifiers: Orphanet 167848, MedGen C0878544, MONDO:0004994, HP:0001638. Inheritance: Various modes of inheritance.

Submissions (15):

PreventionGenetics, part of Exact Sciences
Classification: Uncertain significance for TNNT2-related condition. Last evaluated: 2026-05-23. Review status: criteria provided, single submitter. Criteria: ACMG Guidelines, 2015. Collection method: clinical testing. Allele origin: germline.
Comment: The TNNT2 c.421delC variant is predicted to result in a frameshift and premature protein termination (p.Arg141Glyfs*41). This variant has been reported in multiple individuals with dilated and hypertrophic cardiomyopathy (see for example: Millat et al. 2011. PubMed ID: 21846512; Broch et al. 2015. PubMed ID: 26468400; Table S1, van Velzen et al. 2018. PubMed ID: 29661763; Table S3, Mazzarotto et al. 2020. PubMed ID: 31983221), including segregation with disease in three affected individuals in a single family (Millat et al. 2011. PubMed ID: 21846512). This variant is reported in 0.010% of alleles in individuals of European (non-Finnish) descent in gnomAD and interpreted as uncertain in ClinVar (Variation ID: 181635). Currently, loss-of-function is not an established mechanism of TNNT2-related cardiomyopathy. Although we suspect that this variant may be pathogenic, at this time, the clinical significance of this variant is uncertain due to the absence of conclusive functional and genetic evidence.

Molecular Diagnostic Laboratory for Inherited Cardiovascular Disease, Montreal Heart Institute
Classification: Uncertain significance for Cardiovascular phenotype. Last evaluated: 2026-03-27. Review status: criteria provided, single submitter. Criteria: ACMG Guidelines, 2015. Collection method: clinical testing. Allele origin: germline. Affected: yes.
Comment: PVS1_mod, PP1

Ambry Genetics
Classification: Uncertain significance for Cardiovascular phenotype. Last evaluated: 2025-09-15. Review status: criteria provided, single submitter. Criteria: Ambry Variant Classification Scheme 2023. Collection method: clinical testing. Allele origin: germline.
Comment: The c.421delC variant, located in coding exon 9 of the TNNT2 gene, results from a deletion of one nucleotide at nucleotide position 421, causing a translational frameshift with a predicted alternate stop codon (p.R141Gfs*41). This variant was identified in individuals with features consistent with dilated cardiomyopathy (DCM) and hypertrophic cardiomyopathy (HCM) and segregated with DCM in at least one family (Millat G et al. Eur J Med Genet 2011 Aug;54:e570-5; Meng L et al. JAMA Pediatr, 2017 12;171:e173438; van Velzen HG et al. Circ Genom Precis Med, 2018 04;11:e001896). This alteration is expected to result in loss of function by premature protein truncation or nonsense-mediated mRNA decay. However, loss of function of TNNT2 has not been clearly established as a mechanism of disease. Based on the available evidence, the clinical significance of this variant remains unclear.

Clinical Genomics Laboratory, Washington University in St. Louis
Classification: Uncertain significance for Dilated cardiomyopathy 1D. Last evaluated: 2025-08-30. Review status: criteria provided, single submitter. Criteria: ACMG Guidelines, 2015. Collection method: clinical testing. Allele origin: germline.
Comment: A TNNT2 c.451del (p.Arg151Glyfs*41) variant was identified in a heterozygous state. It is observed in 135/1,613,186 alleles in the general population (gnomAD v.4.1.0). This variant has been reported in multiple individuals with cardiomyopathy (Broch K et al., PMID: 26468400; Yang Q et al., PMID: 36129056; Mazzarotto F et al., PMID: 31983221; Meng L et al., PMID: 28973083; Millat G et al., PMID: 20800588) and was reported to segregate with disease in two individuals from one family (Velzen H et al., PMID: 29661763). It has been reported in the ClinVar database as a germline likely pathogenic variant by one submitter and a variant of uncertain significance by nine submitters (Variation ID: 181635). Due to limited information, and based on ACMG/AMP guidelines for variant interpretation (Richards S et al., PMID: 25741868), the clinical significance of this variant is uncertain at this time.

Women's Health and Genetics/Laboratory Corporation of America, LabCorp
Classification: Uncertain significance. Last evaluated: 2025-07-18. Review status: criteria provided, single submitter. Criteria: LabCorp Variant Classification Summary - May 2015. Collection method: clinical testing. Allele origin: germline.
Comment: Variant summary: TNNT2 c.421delC (p.Arg141GlyfsX41) results in a premature termination codon, predicted to cause absence of the protein due to nonsense mediated decay, however current evidence is not sufficient to establish loss of function as a mechanism for disease. The variant allele was found at a frequency of 4.4e-05 in 250100 control chromosomes (gnomAD). This frequency is not significantly higher than estimated for a pathogenic variant in TNNT2 causing Cardiomyopathy (4.4e-05 vs 0.00018), allowing no conclusion about variant significance. c.421delC has been observed in individuals affected with Cardiomyopathy (e.g., Millat_2011, Broch_2015, Meng_2017). These reports do not provide unequivocal conclusions about association of the variant with Cardiomyopathy. A different variant affecting the same codon has been classified as likely pathogenic/pathogenic by our lab (c.421C>T, p.Arg141Trp). To our knowledge, no experimental evidence demonstrating an impact on protein function has been reported. The following publications have been ascertained in the context of this evaluation (PMID: 21846512, 26468400, 28973083). ClinVar contains an entry for this variant (Variation ID: 181635). Based on the evidence outlined above, the variant was classified as uncertain significance.

GeneDx
Classification: Uncertain significance. Last evaluated: 2025-06-12. Review status: criteria provided, single submitter. Criteria: GeneDx Variant Classification Process June 2021. Collection method: clinical testing. Allele origin: germline. Affected: yes.
Comment: Identified in patients with DCM and HCM in published literature (PMID: 20800588, 21846512, 27476098, 26468400, 24037902, 36396199, 28973083, 29661763, 31983221); Identified in a cohort of cases with sudden unexplained death in childhood (SUDC) (PMID: 37589201); Frameshift variant predicted to result in protein truncation or nonsense mediated decay in a gene or region of a gene for which loss of function is not a well-established mechanism of disease; This variant is associated with the following publications: (PMID: 24037902, 28492532, 26688388, 21846512, 27476098, 28973083, 26468400, 26633542, 24721642, 31983221, 36129056, 37589201, 29661763, 36396199, 20800588)

Revvity Omics, Revvity
Classification: Uncertain significance. Last evaluated: 2025-02-03. Review status: criteria provided, single submitter. Criteria: ACMG Guidelines, 2015. Collection method: clinical testing. Allele origin: germline.

Blueprint Genetics
Classification: Uncertain significance. Last evaluated: 2024-09-20. Review status: criteria provided, single submitter. Criteria: ACMG Guidelines, 2015. Collection method: clinical testing. Allele origin: germline.

Color Diagnostics, LLC DBA Color Health
Classification: Uncertain significance for Cardiomyopathy. Last evaluated: 2024-02-22. Review status: criteria provided, single submitter. Criteria: ACMG Guidelines, 2015. Collection method: clinical testing. Allele origin: germline.
Comment: This variant deletes 1 nucleotide in exon 10 of the TNNT2 gene, creating a frameshift and premature translation stop signal. This variant is expected to result in an absent or non-functional protein product. To our knowledge, functional studies have not been reported for this variant. This variant has been reported in at least four individuals affected with dilated cardiomyopathy (PMID: 21846512, 26468400, 28973083, 31983221), including four affected individuals from one family (PMID: 21846512). This variant has also been reported in one individual affected with hypertrophic cardiomyopathy (PMID: 29661763). This variant has been identified in 14/281472 chromosomes in the general population by the Genome Aggregation Database (gnomAD). Clinical relevance of loss-of-function TNNT2 truncation variants in autosomal dominant cardiovascular disorders is not clearly established. The available evidence is insufficient to determine the role of this variant in disease conclusively. Therefore, this variant is classified as a Variant of Uncertain Significance.

Labcorp Genetics (formerly Invitae), Labcorp
Classification: Uncertain significance for Cardiomyopathy, familial restrictive, 3; Hypertrophic cardiomyopathy 2; Dilated cardiomyopathy 1D. Last evaluated: 2024-01-08. Review status: criteria provided, single submitter. Criteria: Invitae Variant Classification Sherloc (09022015). Collection method: clinical testing. Allele origin: germline.
Comment: This sequence change creates a premature translational stop signal (p.Arg141Glyfs*41) in the TNNT2 gene. It is expected to result in an absent or disrupted protein product. However, the current clinical and genetic evidence is not sufficient to establish whether loss-of-function variants in TNNT2 cause disease. This variant is present in population databases (rs730881115, gnomAD 0.01%). This premature translational stop signal has been observed in individuals with dilated cardiomyopathy (PMID: 21846512, 26468400, 28973083). ClinVar contains an entry for this variant (Variation ID: 181635). In summary, the available evidence is currently insufficient to determine the role of this variant in disease. Therefore, it has been classified as a Variant of Uncertain Significance.

CeGaT Center for Human Genetics Tuebingen
Classification: Uncertain significance. Last evaluated: 2023-11-01. Review status: criteria provided, single submitter. Criteria: CeGaT Center For Human Genetics Tuebingen Variant Classification Criteria Version 2. Collection method: clinical testing. Allele origin: germline. Affected: yes. Observed: 2 variant alleles.
Comment: TNNT2: PS4:Moderate, PP1

Mayo Clinic Laboratories, Mayo Clinic
Classification: Uncertain significance. Last evaluated: 2023-06-16. Review status: criteria provided, single submitter. Criteria: ACMG Guidelines, 2015. Collection method: clinical testing. Allele origin: germline. Observed: 1 variant allele.
Comment: PP1

AiLife Diagnostics
Classification: Uncertain significance. Last evaluated: 2021-10-09. Review status: criteria provided, single submitter. Criteria: ACMG Guidelines, 2015. Collection method: clinical testing. Allele origin: germline. Affected: yes. Observed: 2 variant alleles.

Centre for Mendelian Genomics, University Medical Centre Ljubljana
Classification: Uncertain significance for Dilated cardiomyopathy 1D. Last evaluated: 2019-10-25. Review status: criteria provided, single submitter. Criteria: ACMG Guidelines, 2015. Collection method: clinical testing. Allele origin: unknown. Affected: yes.
Comment: This variant was classified as: Uncertain significance. The available evidence favors the pathogenic nature of this variant, however the currently available data is insufficient to conclusively support its pathogenic nature. Thus this variant is classified as Uncertain significance - favor pathogenic. The following ACMG criteria were applied in classifying this variant: PP5.

Center for Medical Genetics Ghent, University of Ghent
Classification: Uncertain significance for Dilated cardiomyopathy 1D. Last evaluated: 2016-05-25. Review status: criteria provided, single submitter. Criteria: ACMG Guidelines, 2015. Collection method: clinical testing. Allele origin: germline. Affected: yes.
Comment: This variant is predicted to cause loss of normal protein function either through protein truncation or nonsense-mediated mRNA decay. To date, it is not known whether loss-of-function is a disease mechanism for the TNNT2 gene.

Literature cited by the submitters: PubMed 21846512 (cited by 6 submitters); PubMed 24721642 (cited by Ambry Genetics); PubMed 26633542 (cited by Ambry Genetics and Mayo Clinic Laboratories, Mayo Clinic); PubMed 26688388 (cited by Ambry Genetics); PubMed 28973083 (cited by 6 submitters); PubMed 29661763 (cited by 4 submitters); PubMed 31983221 (cited by 3 submitters); PubMed 26468400 (cited by 5 submitters); PubMed 20800588 (cited by Mayo Clinic Laboratories, Mayo Clinic); PubMed 36129056 (cited by Mayo Clinic Laboratories, Mayo Clinic).